The following is an entry in ClinVar:

ClinVar aggregate classification (germline): Uncertain significance (1 of 4 stars; one submission).

Conditions:
Inborn genetic diseases. Identifiers: MedGen C0950123, MeSH D030342.

Submission:

Ambry Genetics
Classification: Uncertain significance for Inborn genetic diseases. Last evaluated: 2026-08-27. Review status: criteria provided, single submitter. Criteria: Ambry Variant Classification Scheme 2023. Collection method: clinical testing. Allele origin: germline.
Comment: The p.Q205R variant (also known as c.614A>G), located in coding exon 4 of the SBDS gene, results from an A to G substitution at nucleotide position 614. The glutamine at codon 205 is replaced by arginine, an amino acid with highly similar properties. This amino acid position is conserved. In addition, the in silico prediction for this alteration is inconclusive. Based on the available evidence, the clinical significance of this variant remains unclear.

NM_016038.4(SBDS):c.614A>G (p.Gln205Arg)

Gene: SBDS (SBDS ribosome maturation factor; minus strand). Cytogenetic location: 7q11.21.
Variant type: single nucleotide variant.
Coding change: c.614A>G on transcript NM_016038.4 (MANE Select); coding-DNA position 614, A replaced by G.
Protein change: p.Gln205Arg; replaces glutamine 205 with arginine.
Molecular consequence: missense variant.
Genome position (GRCh38, 1-based): chr7:66,991,147, T>C on the plus strand (A>G on the coding strand, the complement: SBDS is on the minus strand). VCF-style: chr7-66991147-T-C. GRCh37 (hg19) VCF-style: chr7-66456134-T-C.
Other names: short protein forms Q205R.
Identifiers: ClinVar variation 5029040 (VCV005029040.1).